The following is an entry in ClinVar:

NM_024675.4(PALB2):c.1873del (p.Glu625fs)

Gene: PALB2 (partner and localizer of BRCA2; minus strand). Cytogenetic location: 16p12.2.
Variant type: Deletion.
Coding change: c.1873del on transcript NM_024675.4 (MANE Select); coding-DNA position 1873, one base deleted (G; older notation c.1873delG).
Protein change: p.Glu625fs; shifts the reading frame from glutamic acid 625.
Molecular consequence: frameshift variant.
Genome position (GRCh38, 1-based): chr16:23,630,281, C deleted on the plus strand (G on the coding strand, the reverse complement: PALB2 is on the minus strand). VCF-style (leftmost placement, unchanged base first): chr16-23630280-TC-T. GRCh37 (hg19) VCF-style: chr16-23641601-TC-T.
Other names: c.1873delG (NM_024675.3); short protein forms E625fs.
Identifiers: ClinVar variation 482064 (VCV000482064.14), dbSNP rs1555460609, ClinGen allele CA658658415.

ClinVar aggregate classification (germline): Pathogenic. Review status: criteria provided, multiple submitters, no conflicts (2 of 4 stars). 3 submissions from 3 submitters: Pathogenic (3). Last evaluated 2026-07-23.

Conditions:
Familial cancer of breast. Also called: hereditary breast carcinoma; Hereditary breast cancer; BREAST CANCER, FAMILIAL. Identifiers: Orphanet 227535, MedGen C0346153, MONDO:0016419, OMIM 114480. Disease mechanism: loss of function.
Hereditary cancer-predisposing syndrome. Also called: Neoplastic Syndromes, Hereditary; Hereditary neoplastic syndrome; Hereditary Cancer Syndrome; Tumor predisposition. Identifiers: Orphanet 140162, MedGen C0027672, MeSH D009386, MONDO:0015356.

Submissions (3):

Ambry Genetics
Classification: Pathogenic for Hereditary cancer-predisposing syndrome. Last evaluated: 2026-07-23. Review status: criteria provided, single submitter. Criteria: Ambry Variant Classification Scheme 2023. Collection method: clinical testing. Allele origin: germline.
Comment: The c.1873delG pathogenic mutation, located in coding exon 5 of the PALB2 gene, results from a deletion of one nucleotide at nucleotide position 1873, causing a translational frameshift with a predicted alternate stop codon (p.E625Kfs*3). This variant is considered to be rare based on population cohorts in the Genome Aggregation Database (gnomAD). This alteration is expected to result in loss of function by premature protein truncation or nonsense-mediated mRNA decay. As such, this alteration is interpreted as a disease-causing mutation.

Myriad Genetics, Inc.
Classification: Pathogenic for Familial cancer of breast. Last evaluated: 2026-06-12. Review status: criteria provided, single submitter. Criteria: Myriad Autosomal Dominant, Autosomal Recessive and X-Linked Classification Criteria (2023). Collection method: clinical testing. Allele origin: unknown.
Comment: This variant is considered pathogenic. This variant creates a frameshift predicted to result in premature protein truncation.

Labcorp Genetics (formerly Invitae), Labcorp
Classification: Pathogenic for Familial cancer of breast. Last evaluated: 2025-02-11. Review status: criteria provided, single submitter. Criteria: Invitae Variant Classification Sherloc (09022015). Collection method: clinical testing. Allele origin: germline.
Comment: This sequence change creates a premature translational stop signal (p.Glu625Lysfs*3) in the PALB2 gene. It is expected to result in an absent or disrupted protein product. Loss-of-function variants in PALB2 are known to be pathogenic (PMID: 17200668, 17200671, 17200672, 24136930, 25099575). This variant is not present in population databases (gnomAD no frequency). This variant has not been reported in the literature in individuals affected with PALB2-related conditions. ClinVar contains an entry for this variant (Variation ID: 482064). For these reasons, this variant has been classified as Pathogenic.

Literature cited by the submitters: PubMed 17200668 (cited by Labcorp Genetics (formerly Invitae), Labcorp); PubMed 17200671 (cited by Labcorp Genetics (formerly Invitae), Labcorp); PubMed 17200672 (cited by Labcorp Genetics (formerly Invitae), Labcorp); PubMed 24136930 (cited by Labcorp Genetics (formerly Invitae), Labcorp); PubMed 25099575 (cited by Labcorp Genetics (formerly Invitae), Labcorp).